The following is an entry in ClinVar:

ClinVar aggregate classification (germline): Benign/Likely benign. Review status: criteria provided, multiple submitters, no conflicts (2 of 4 stars). 4 submissions from 4 submitters: Benign (2); Likely benign (1). 1 of the submissions does not count toward it. Last evaluated 2026-05-01.

Conditions:
EXTL3-related disorder. Also called: EXTL3-related condition.

Allele frequency attached by ClinVar (database versions not stated): 1000 Genomes Project 30x 0.00172; 1000 Genomes Project 0.00220; ExAC 0.00312; gnomAD exomes 0.00326; gnomAD 0.00328 and 0.00330; TOPMed 0.00333; ESP Exome Variant Server 0.00507.
gnomAD v4.1: 6,800 of 1,614,212 alleles (0.42%); highest among the groups gnomAD compares: Non-Finnish European, 0.5%; 18 homozygotes.

Submissions (4):

CeGaT Center for Human Genetics Tuebingen
Classification: Likely benign. Last evaluated: 2026-05-01. Review status: criteria provided, single submitter. Criteria: CeGaT Center For Human Genetics Tuebingen Variant Classification Criteria Version 2. Collection method: clinical testing. Allele origin: germline. Affected: yes. Observed: 8 variant alleles.
Comment: EXTL3: BP4, BP7, BS2

Labcorp Genetics (formerly Invitae), Labcorp
Classification: Benign. Last evaluated: 2026-02-02. Review status: criteria provided, single submitter. Criteria: Invitae Variant Classification Sherloc (09022015). Collection method: clinical testing. Allele origin: germline.

Breakthrough Genomics
Classification: Benign. Review status: criteria provided, single submitter. Criteria: ACMG Guidelines, 2015. Collection method: not provided. Allele origin: germline. Inheritance: Autosomal recessive inheritance. Affected: yes.

PreventionGenetics, part of Exact Sciences
Classification: Likely benign for EXTL3-related condition. Last evaluated: 2019-10-24. Review status: no assertion criteria provided. Collection method: clinical testing. Allele origin: germline. Not counted in ClinVar's aggregate classification.
Comment: This variant is classified as likely benign based on ACMG/AMP sequence variant interpretation guidelines (Richards et al. 2015 PMID: 25741868, with internal and published modifications).

NM_001440.4(EXTL3):c.870C>T (p.Asn290=)

Gene: EXTL3 (exostosin like glycosyltransferase 3; plus strand). Cytogenetic location: 8p21.1.
Variant type: single nucleotide variant.
Coding change: c.870C>T on transcript NM_001440.4 (MANE Select); coding-DNA position 870, C replaced by T.
Protein change: p.Asn290=; no amino-acid change (asparagine 290 retained).
Molecular consequence: synonymous variant.
Genome position (GRCh38, 1-based): chr8:28,716,929, C>T. VCF-style: chr8-28716929-C-T. GRCh37 (hg19) VCF-style: chr8-28574446-C-T.
Identifiers: ClinVar variation 783838 (VCV000783838.35), dbSNP rs36092162, ClinGen allele CA4696081.